The following is an entry in ClinVar:

ClinVar aggregate classification (germline): Likely pathogenic. Review status: criteria provided, single submitter (1 of 4 stars). 2 submissions from 2 submitters: Likely pathogenic (1). 1 of the submissions does not count toward it. Last evaluated 2024-04-27.

Conditions:
Nephronophthisis 4 (NPHP4). Also called: NEPHRONOPHTHISIS 4, JUVENILE. Identifiers: Orphanet 655, MedGen C1847013, MONDO:0011752, OMIM 606966.
Senior-Loken syndrome 4 (SLSN4). Identifiers: Orphanet 3156, MedGen C1846979, MONDO:0011756, OMIM 606996.

Submissions (2):

Fulgent Genetics
Classification: Likely pathogenic for Nephronophthisis 4; Senior-Loken syndrome 4. Last evaluated: 2024-04-27. Review status: criteria provided, single submitter. Criteria: ACMG Guidelines, 2015. Collection method: clinical testing. Allele origin: germline.

Leeds Institute of Medical Research, University of Leeds
Classification: Likely pathogenic for Nephronophthisis 4. Last evaluated: 2025-01-13. Review status: no assertion criteria provided. Collection method: research. Allele origin: germline. Affected: yes. Observed: 2 variant alleles. Not counted in ClinVar's aggregate classification.
Comment: This homozygous NM_015102.5 c.305_306del frameshift variant in NPHP4 creates a shift and premature stop codon p.(Asn102ThrfsTer13) which is predicted to result in loss of protein. The variant is rare in gnomAD v4.0 (S.Asian maf is 0.000035), segregates in a consanguineous family with multiple affected individuals with Nephronophthisis (MIM 606966) and has a CADD score of 27. The variant meets ACMG criteria PVS1 and PM2 and is classified as Likely Pathogenic.

NM_015102.5(NPHP4):c.305_306del (p.Asn102fs)

Gene: NPHP4 (nephrocystin 4; minus strand). Cytogenetic location: 1p36.31.
Variant type: Deletion.
Coding change: c.305_306del on transcript NM_015102.5 (MANE Select); coding-DNA positions 305 to 306, 2 bases deleted (AC; older notation c.305_306delAC).
Protein change: p.Asn102fs; shifts the reading frame from asparagine 102.
Molecular consequence: frameshift variant. On other transcripts: 5 prime UTR variant (2), non-coding transcript variant (1).
Genome position (GRCh38, 1-based): chr1:5,969,233-5,969,234, GT deleted on the plus strand (AC on the coding strand, the reverse complement: NPHP4 is on the minus strand). VCF-style (leftmost placement, unchanged base first): chr1-5969232-GGT-G. GRCh37 (hg19) VCF-style: chr1-6029292-GGT-G.
Other names: c.-925_-924del (NM_001291593.2); c.-1062_-1061del (NM_001291594.2); short protein forms N102fs.
Identifiers: ClinVar variation 3587193 (VCV003587193.2).